The following is an entry in ClinVar:

ClinVar aggregate classification (germline): Likely pathogenic (1 of 4 stars; one submission).

Conditions:
Severe combined immunodeficiency, autosomal recessive, T cell-negative, B cell-negative, NK cell-positive. Also called: SCID, AR, T-cell negative, B-cell negative, NK cell-positive; Severe combined immunodeficiency due to complete RAG1/2 deficiency; SCID, T CELL-NEGATIVE, B CELL-NEGATIVE, NK CELL-POSITIVE. Identifiers: Orphanet 331206, MedGen C1832322, MONDO:0011086, OMIM 601457.
Combined immunodeficiency with skin granulomas. Identifiers: Orphanet 157949, MedGen C2673536, MONDO:0009306, OMIM 233650.

Allele frequency attached by ClinVar (database versions not stated): TOPMed below 0.00001.

Submission:

Labcorp Genetics (formerly Invitae), Labcorp
Classification: Likely pathogenic for Combined immunodeficiency with skin granulomas; Severe combined immunodeficiency, autosomal recessive, T cell-negative, B cell-negative, NK cell-positive. Last evaluated: 2022-03-20. Review status: criteria provided, single submitter. Criteria: Invitae Variant Classification Sherloc (09022015). Collection method: clinical testing. Allele origin: germline.
Comment: This sequence change replaces glycine, which is neutral and non-polar, with glutamic acid, which is acidic and polar, at codon 203 of the RAG2 protein (p.Gly203Glu). This variant is not present in population databases (gnomAD no frequency). This missense change has been observed in individual(s) with severe combined immunodeficiency due to RAG2 deficiency (PMID: 33628209). Advanced modeling of protein sequence and biophysical properties (such as structural, functional, and spatial information, amino acid conservation, physicochemical variation, residue mobility, and thermodynamic stability) performed at Invitae indicates that this missense variant is expected to disrupt RAG2 protein function. In summary, the currently available evidence indicates that the variant is pathogenic, but additional data are needed to prove that conclusively. Therefore, this variant has been classified as Likely Pathogenic.

Literature cited by the submitters: PubMed 33628209.

NM_000536.4(RAG2):c.608G>A (p.Gly203Glu)

Gene: RAG2 (recombination activating 2; minus strand). Cytogenetic location: 11p12.
Variant type: single nucleotide variant.
Coding change: c.608G>A on transcript NM_000536.4 (MANE Select); coding-DNA position 608, G replaced by A.
Protein change: p.Gly203Glu; replaces glycine 203 with glutamic acid.
Molecular consequence: missense variant.
Genome position (GRCh38, 1-based): chr11:36,593,561, C>T on the plus strand (G>A on the coding strand, the complement: RAG2 is on the minus strand). VCF-style: chr11-36593561-C-T. GRCh37 (hg19) VCF-style: chr11-36615111-C-T.
Other names: c.608G>A, p.Gly203Glu (NM_001243785.2, NM_001243786.2); short protein forms G203E.
Identifiers: ClinVar variation 1519695 (VCV001519695.6), dbSNP rs1851081720, ClinGen allele CA380142489.
Genomic context (GRCh38, chr11:36,593,561, plus strand): 5'-GAATGTCCTCCTAAAATATAGATGGTGTCATTTTTGGCAATAGAGACATGAAAAGATAGC[C>T]CATCCTGAAGTTCTGGAAGAATGTATGATGTAGCACACCCAAATTCAAAATCCACCAGGA-3'
Protein context (NP_000527.2, residues 193-213): TSYILPELQD[Gly203Glu]LSFHVSIAKN